The following is an entry in ClinVar:

NM_022124.6(CDH23):c.9699G>A (p.Met3233Ile)

Gene: CDH23 (cadherin related 23; plus strand). Cytogenetic location: 10q22.1.
Variant type: single nucleotide variant.
Coding change: c.9699G>A on transcript NM_022124.6 (MANE Select); coding-DNA position 9699, G replaced by A.
Protein change: p.Met3233Ile; replaces methionine 3233 with isoleucine.
Molecular consequence: missense variant. On other transcripts: intron variant (2).
Genome position (GRCh38, 1-based): chr10:71,813,309, G>A. VCF-style: chr10-71813309-G-A. GRCh37 (hg19) VCF-style: chr10-73573066-G-A.
Other names: c.2979G>A, p.Met993Ile (NM_001171933.1); c.390G>A, p.Met130Ile (NM_001171935.1); c.2913+419G>A (NM_001171934.1); c.324+419G>A (NM_001171936.1); short protein forms M130I, M3233I, M993I.
Identifiers: ClinVar variation 1362800 (VCV001362800.8), dbSNP rs1842005342, ClinGen allele CA377137340.

ClinVar aggregate classification (germline): Uncertain significance (1 of 4 stars; one submission).

Allele frequency attached by ClinVar (database versions not stated): gnomAD exomes below 0.00001; TOPMed 0.00001.
gnomAD v4.1: 1 of 1,551,646 alleles (0.000064%); highest among the groups gnomAD compares: African/African-American, 0.0014%; no homozygotes.

Submission:

Labcorp Genetics (formerly Invitae), Labcorp
Classification: Uncertain significance. Last evaluated: 2023-12-11. Review status: criteria provided, single submitter. Criteria: Invitae Variant Classification Sherloc (09022015). Collection method: clinical testing. Allele origin: germline.
Comment: This sequence change replaces methionine, which is neutral and non-polar, with isoleucine, which is neutral and non-polar, at codon 3233 of the CDH23 protein (p.Met3233Ile). This variant is not present in population databases (gnomAD no frequency). This variant has not been reported in the literature in individuals affected with CDH23-related conditions. ClinVar contains an entry for this variant (Variation ID: 1362800). Advanced modeling of protein sequence and biophysical properties (such as structural, functional, and spatial information, amino acid conservation, physicochemical variation, residue mobility, and thermodynamic stability) performed at Invitae indicates that this missense variant is not expected to disrupt CDH23 protein function with a negative predictive value of 95%. In summary, the available evidence is currently insufficient to determine the role of this variant in disease. Therefore, it has been classified as a Variant of Uncertain Significance.